The following is an entry in ClinVar:

NM_000890.5(KCNJ5):c.1124G>A (p.Arg375Gln)

Gene: KCNJ5 (potassium inwardly rectifying channel subfamily J member 5; plus strand). Cytogenetic location: 11q24.3.
Variant type: single nucleotide variant.
Coding change: c.1124G>A on transcript NM_000890.5 (MANE Select); coding-DNA position 1124, G replaced by A.
Protein change: p.Arg375Gln; replaces arginine 375 with glutamine.
Molecular consequence: missense variant.
Genome position (GRCh38, 1-based): chr11:128,916,595, G>A. VCF-style: chr11-128916595-G-A. GRCh37 (hg19) VCF-style: chr11-128786490-G-A.
Other names: c.1124G>A (LRG_333t1); c.1124G>A, p.Arg375Gln (NM_001354169.2); short protein forms R375Q.
Identifiers: ClinVar variation 238195 (VCV000238195.16), dbSNP rs530587789, ClinGen allele CA6358001.

ClinVar aggregate classification (germline): Conflicting classifications of pathogenicity. Review status: criteria provided, conflicting classifications (1 of 4 stars). 4 submissions from 4 submitters: Uncertain significance (2); Likely benign (2). Last evaluated 2025-12-24.

Conditions:
Cardiovascular phenotype. Identifiers: MedGen CN230736.
Familial hyperaldosteronism type III. Also called: FH III; Familial hyperaldosteronism type 3. Identifiers: Orphanet 251274, MedGen C3838758, MONDO:0013359, OMIM 613677.
Long QT syndrome 13 (LQT13). Identifiers: Orphanet 101016, Orphanet 768, MedGen C3150733, MONDO:0013279, OMIM 613485.
Long QT syndrome (LQTS). Identifiers: MedGen C0023976, MeSH D008133, MONDO:0002442. Disease mechanism: loss of function. Inheritance: Various modes of inheritance.

Allele frequency attached by ClinVar (database versions not stated): gnomAD exomes 0.00003 and 0.00004; gnomAD 0.00005; ExAC 0.00007; TOPMed 0.00009; 1000 Genomes Project 0.00020; 1000 Genomes Project 30x 0.00031.
gnomAD v4.1: 48 of 1,614,056 alleles (0.003%); highest among the groups gnomAD compares: African/African-American, 0.019%; no homozygotes.

Submissions (4):

Labcorp Genetics (formerly Invitae), Labcorp
Classification: Uncertain significance for Long QT syndrome. Last evaluated: 2025-12-24. Review status: criteria provided, single submitter. Criteria: Invitae Variant Classification Sherloc (09022015). Collection method: clinical testing. Allele origin: germline.
Comment: This sequence change replaces arginine, which is basic and polar, with glutamine, which is neutral and polar, at codon 375 of the KCNJ5 protein (p.Arg375Gln). This variant is present in population databases (rs530587789, gnomAD 0.02%). This variant has not been reported in the literature in individuals affected with KCNJ5-related conditions. ClinVar contains an entry for this variant (Variation ID: 238195). Invitae Evidence Modeling of protein sequence and biophysical properties (such as structural, functional, and spatial information, amino acid conservation, physicochemical variation, residue mobility, and thermodynamic stability) indicates that this missense variant is not expected to disrupt KCNJ5 protein function with a negative predictive value of 80%. In summary, the available evidence is currently insufficient to determine the role of this variant in disease. Therefore, it has been classified as a Variant of Uncertain Significance.

GeneDx
Classification: Uncertain significance. Last evaluated: 2025-02-25. Review status: criteria provided, single submitter. Criteria: GeneDx Variant Classification Process June 2021. Collection method: clinical testing. Allele origin: germline. Affected: yes.
Comment: Has not been previously published as pathogenic or benign to our knowledge; In silico analysis indicates that this missense variant does not alter protein structure/function; This variant is associated with the following publications: (PMID: 27535533)

Fulgent Genetics
Classification: Likely benign for Long QT syndrome 13; Familial hyperaldosteronism type III. Last evaluated: 2024-03-04. Review status: criteria provided, single submitter. Criteria: ACMG Guidelines, 2015. Collection method: clinical testing. Allele origin: germline.

Ambry Genetics
Classification: Likely benign for Cardiovascular phenotype. Last evaluated: 2023-05-23. Review status: criteria provided, single submitter. Criteria: Ambry Variant Classification Scheme 2023. Collection method: clinical testing. Allele origin: germline.